The following is an entry in ClinVar:

ClinVar aggregate classification (germline): Likely benign. Review status: criteria provided, multiple submitters, no conflicts (2 of 4 stars). 5 submissions from 5 submitters: Likely benign (4). 1 of the submissions does not count toward it. Last evaluated 2026-06-01.

Allele frequency attached by ClinVar (database versions not stated): gnomAD 0.00029 and 0.00031; gnomAD exomes 0.00030; TOPMed 0.00031; ExAC 0.00035; 1000 Genomes Project 0.00040; 1000 Genomes Project 30x 0.00047; ESP Exome Variant Server 0.00069.
gnomAD v4.1: 707 of 1,613,902 alleles (0.044%); highest among the groups gnomAD compares: Non-Finnish European, 0.055%; no homozygotes.

Submissions (5):

CeGaT Center for Human Genetics Tuebingen
Classification: Likely benign. Last evaluated: 2026-06-01. Review status: criteria provided, single submitter. Criteria: CeGaT Center For Human Genetics Tuebingen Variant Classification Criteria Version 2. Collection method: clinical testing. Allele origin: germline. Affected: yes. Observed: 2 variant alleles.
Comment: ACO2: BP4, BP7

Labcorp Genetics (formerly Invitae), Labcorp
Classification: Likely benign. Last evaluated: 2025-09-15. Review status: criteria provided, single submitter. Criteria: Invitae Variant Classification Sherloc (09022015). Collection method: clinical testing. Allele origin: germline.

Blueprint Genetics
Classification: Likely benign. Last evaluated: 2024-10-31. Review status: criteria provided, single submitter. Criteria: ACMG Guidelines, 2015. Collection method: clinical testing. Allele origin: germline.

GeneDx
Classification: Likely benign. Last evaluated: 2020-12-11. Review status: criteria provided, single submitter. Criteria: GeneDx Variant Classification Process June 2021. Collection method: clinical testing. Allele origin: germline. Affected: yes.

Mayo Clinic Laboratories, Mayo Clinic
Classification: Likely benign. Last evaluated: 2018-03-19. Review status: no assertion criteria provided. Collection method: clinical testing. Allele origin: unknown. Not counted in ClinVar's aggregate classification.

NM_001098.3(ACO2):c.987C>T (p.Asp329=)

Gene: ACO2 (aconitase 2; plus strand). Cytogenetic location: 22q13.2.
Variant type: single nucleotide variant.
Coding change: c.987C>T on transcript NM_001098.3 (MANE Select); coding-DNA position 987, C replaced by T.
Protein change: p.Asp329=; no amino-acid change (aspartic acid 329 retained).
Molecular consequence: synonymous variant.
Genome position (GRCh38, 1-based): chr22:41,518,527, C>T. VCF-style: chr22-41518527-C-T. GRCh37 (hg19) VCF-style: chr22-41914531-C-T.
Identifiers: ClinVar variation 559327 (VCV000559327.56), dbSNP rs140823998, ClinGen allele CA10257527.